The following is an entry in ClinVar:

ClinVar aggregate classification (germline): Uncertain significance (1 of 4 stars; one submission).

Submission:

GeneDx
Classification: Uncertain significance. Last evaluated: 2022-04-18. Review status: criteria provided, single submitter. Criteria: GeneDx Variant Classification Process June 2021. Collection method: clinical testing. Allele origin: germline. Affected: yes.
Comment: Not observed in large population cohorts (gnomAD); In silico analysis supports that this missense variant has a deleterious effect on protein structure/function; Has not been previously published as pathogenic or benign to our knowledge

NM_000052.7(ATP7A):c.4391T>A (p.Ile1464Lys)

Gene: ATP7A (ATPase copper transporting alpha; plus strand). Cytogenetic location: Xq21.1.
Variant type: single nucleotide variant.
Coding change: c.4391T>A on transcript NM_000052.7 (MANE Select); coding-DNA position 4391, T replaced by A.
Protein change: p.Ile1464Lys; replaces isoleucine 1464 with lysine.
Molecular consequence: missense variant. On other transcripts: non-coding transcript variant (1).
Genome position (GRCh38, 1-based): chrX:78,046,458, T>A. VCF-style: chrX-78046458-T-A. GRCh37 (hg19) VCF-style: chrX-77301955-T-A.
Other names: c.4157T>A, p.Ile1386Lys (NM_001282224.2); short protein forms I1386K, I1464K.
Identifiers: ClinVar variation 1683896 (VCV001683896.2), dbSNP rs2149114089, ClinGen allele CA413606319.